The following is an entry in ClinVar:

ClinVar aggregate classification (germline): Likely pathogenic (1 of 4 stars; one submission).

Conditions:
L-2-hydroxyglutaric aciduria (L2HGA). Identifiers: Orphanet 79314, MedGen C1855995, MONDO:0009370, OMIM 236792, HP:0040144.

Submission:

Division of Genetic & Genomic Pathology, Hong Kong Children's Hospital
Classification: Likely pathogenic for L-2-hydroxyglutaric aciduria. Last evaluated: 2024-09-12. Review status: criteria provided, single submitter. Criteria: ACMG Guidelines, 2015. Collection method: clinical testing. Allele origin: germline. Affected: yes.
Comment: NM_024884.3(L2HGDH):c.407A>G p.(Lys136Arg) is a missense variant in exon 3 of the L2HGDH gene. The variant is absent in population control databases (gnomAD v4.1.0) and ClinVar at the time of reporting. In HGMD Professional 2024.2, this variant has been reported as disease-causing mutation to L-2-hydroxyglutaric aciduria (HGMD accession CM1813793). It has been reported previously in the homozygous state in patient with primary diagnosis of L-2-HGA (PMID: 30217188), which is highly specific. Computational prediction suggests that this variant may have deleterious impact on protein structure and function and the REVEL score is 0.81. For these reasons, this variant is classified as likely pathogenic. This variant was inherited in trans with a splicing variant.

Literature cited by the submitters: PubMed 30217188.

NM_024884.3(L2HGDH):c.407A>G (p.Lys136Arg)

Gene: L2HGDH (L-2-hydroxyglutarate dehydrogenase; minus strand). Cytogenetic location: 14q21.3.
Variant type: single nucleotide variant.
Coding change: c.407A>G on transcript NM_024884.3 (MANE Select); coding-DNA position 407, A replaced by G.
Protein change: p.Lys136Arg; replaces lysine 136 with arginine.
Molecular consequence: missense variant. On other transcripts: 5 prime UTR variant (4).
Genome position (GRCh38, 1-based): chr14:50,302,018, T>C on the plus strand (A>G on the coding strand, the complement: L2HGDH is on the minus strand). VCF-style: chr14-50302018-T-C. GRCh37 (hg19) VCF-style: chr14-50768736-T-C.
Other names: c.407A>G, p.Lys136Arg (NM_001425212.1); c.296A>G, p.Lys99Arg (NM_001425213.1, NM_001425214.1); c.-219A>G (NM_001425215.1, NM_001425218.1); c.-140A>G (NM_001425216.1); c.-297A>G (NM_001425217.1); short protein forms K136R, K99R.
Identifiers: ClinVar variation 4819689 (VCV004819689.1).